The following is an entry in ClinVar:

ClinVar aggregate classification (germline): Conflicting classifications of pathogenicity. Review status: criteria provided, conflicting classifications (1 of 4 stars). 2 submissions from 2 submitters: Uncertain significance (1); Benign (1). Last evaluated 2022-08-01.

Conditions:
Hereditary diffuse gastric adenocarcinoma (HDGC). Also called: DIFFUSE GASTRIC AND LOBULAR BREAST CANCER SYNDROME. Identifiers: Orphanet 26106, MedGen C1708349, MONDO:0007648, OMIM 137215.

Allele frequency attached by ClinVar (database versions not stated): TOPMed 0.00003; gnomAD 0.00004 and 0.00009; gnomAD exomes 0.00009; 1000 Genomes Project 0.00040; 1000 Genomes Project 30x 0.00062.
gnomAD v4.1: 130 of 1,419,220 alleles (0.0092%); highest among the groups gnomAD compares: South Asian, 0.098%; 2 homozygotes.

Submissions (2):

European Reference Network on Genetic Tumour Risk Syndromes (ERN-GENTURIS), i3s - Instituto de Investigação e Inovação em Saúde, University of Porto
Classification: Uncertain significance for Hereditary diffuse gastric adenocarcinoma. Last evaluated: 2022-08-01. Review status: criteria provided, single submitter. Criteria: Lee et al. (Hum Mutat. 2018). Collection method: clinical testing. Allele origin: germline. Inheritance: Autosomal dominant inheritance. Affected: no. Study: ERN GENTURIS.
Comment: Not applicable criteria (PMID: 30311375)

Illumina Laboratory Services, Illumina
Classification: Benign for Hereditary diffuse gastric adenocarcinoma. Last evaluated: 2018-01-13. Review status: criteria provided, single submitter. Criteria: ICSL Variant Classification Criteria 13 December 2019. Collection method: clinical testing. Allele origin: germline.
Comment: This variant was observed in the ICSL laboratory as part of a predisposition screen in an ostensibly healthy population. It had not been previously curated by ICSL or reported in the Human Gene Mutation Database (HGMD: prior to June 1st, 2018), and was therefore a candidate for classification through an automated scoring system. Utilizing variant allele frequency, disease prevalence and penetrance estimates, and inheritance mode, an automated score was calculated to assess if this variant is too frequent to cause the disease. Based on the score and internal cut-off values, a variant classified as benign is not then subjected to further curation. The score for this variant resulted in a classification of benign for this disease.

Literature cited by the submitters: PubMed 36436516 (cited by European Reference Network on Genetic Tumour Risk Syndromes (ERN-GENTURIS), i3s - Instituto de Investigação e Inovação em Saúde, University of Porto).

NM_004360.5(CDH1):c.-63C>A

Genes: CDH1 (cadherin 1; plus strand), LOC130059290 (ATAC-STARR-seq lymphoblastoid silent region 7650; plus strand). Cytogenetic location: 16q22.1.
Variant type: single nucleotide variant.
Coding change: c.-63C>A on transcript NM_004360.5 (MANE Select); 63 bases upstream of the start codon, C replaced by A.
Molecular consequence: 5 prime UTR variant.
Genome position (GRCh38, 1-based): chr16:68,737,353, C>A. VCF-style: chr16-68737353-C-A. GRCh37 (hg19) VCF-style: chr16-68771256-C-A.
Other names: c.-63C>A (NM_004360.4, NM_001317184.2); c.-1678C>A (NM_001317185.2); c.-1882C>A (NM_001317186.2).
Identifiers: ClinVar variation 885853 (VCV000885853.5), dbSNP rs572272864, ClinGen allele CA283273249.
Genomic context (GRCh38, chr16:68,737,353, plus strand): 5'-GTGGCGTCGGAACTGCAAAGCACCTGTGAGCTTGCGGAAGTCAGTTCAGACTCCAGCCCG[C>A]TCCAGCCCGGCCCGACCCGACCGCACCCGGCGCCTGCCCTCGCTCGGCGTCCCCGGCCAG-3'